The following is an entry in ClinVar:

NM_173596.3(SLC39A5):c.507C>G (p.Gly169=)

Gene: SLC39A5 (solute carrier family 39 member 5; plus strand). Cytogenetic location: 12q13.3.
Variant type: single nucleotide variant.
Coding change: c.507C>G on transcript NM_173596.3 (MANE Select); coding-DNA position 507, C replaced by G.
Protein change: p.Gly169=; no amino-acid change (glycine 169 retained).
Molecular consequence: synonymous variant.
Genome position (GRCh38, 1-based): chr12:56,234,859, C>G. VCF-style: chr12-56234859-C-G. GRCh37 (hg19) VCF-style: chr12-56628643-C-G.
Other names: c.507C>G, p.Gly169= (NM_001135195.2).
Identifiers: ClinVar variation 750961 (VCV000750961.5), dbSNP rs756401833, ClinGen allele CA6627081.

ClinVar aggregate classification (germline): Likely benign. Review status: criteria provided, multiple submitters, no conflicts (2 of 4 stars). 3 submissions from 3 submitters: Likely benign (3). Last evaluated 2026-05-05.

Conditions:
SLC39A5-related disorder. Also called: SLC39A5-related condition.

Allele frequency attached by ClinVar (database versions not stated): gnomAD exomes below 0.00001 and 0.00003; TOPMed 0.00001; ExAC 0.00002; gnomAD 0.00003.
gnomAD v4.1: 32 of 1,613,584 alleles (0.002%); highest among the groups gnomAD compares: East Asian, 0.013%; 1 homozygote.

Submissions (3):

PreventionGenetics, part of Exact Sciences
Classification: Likely benign for SLC39A5-related condition. Last evaluated: 2026-05-05. Review status: criteria provided, single submitter. Criteria: ACMG Guidelines, 2015. Collection method: clinical testing. Allele origin: germline.
Comment: This variant is classified as likely benign based on ACMG/AMP sequence variant interpretation guidelines (Richards et al. 2015 PMID: 25741868, with internal and published modifications).

Blueprint Genetics
Classification: Likely benign. Last evaluated: 2024-10-16. Review status: criteria provided, single submitter. Criteria: ACMG Guidelines, 2015. Collection method: clinical testing. Allele origin: germline.

Labcorp Genetics (formerly Invitae), Labcorp
Classification: Likely benign. Last evaluated: 2018-09-10. Review status: criteria provided, single submitter. Criteria: Invitae Variant Classification Sherloc (09022015). Collection method: clinical testing. Allele origin: germline.